The following is an entry in ClinVar:

NM_012213.3(MLYCD):c.667_668delinsT (p.Asn223fs)

Gene: MLYCD (malonyl-CoA decarboxylase; plus strand). Cytogenetic location: 16q23.3.
Variant type: Indel.
Coding change: c.667_668delinsT on transcript NM_012213.3 (MANE Select); coding-DNA positions 667 to 668, AA replaced by T.
Protein change: p.Asn223fs; shifts the reading frame from asparagine 223.
Molecular consequence: frameshift variant.
Genome position (GRCh38, 1-based): chr16:83,908,151-83,908,152, AA replaced by T. VCF-style: chr16-83908151-AA-T. GRCh37 (hg19) VCF-style: chr16-83941756-AA-T.
Other names: short protein forms N223fs.
Identifiers: ClinVar variation 3254817 (VCV003254817.1), dbSNP rs2507382078.

ClinVar aggregate classification (germline): Pathogenic (1 of 4 stars; one submission).

Conditions:
Deficiency of malonyl-CoA decarboxylase. Also called: Malonic aciduria; MCD deficiency. Identifiers: Orphanet 943, MedGen C0342793, MONDO:0009556, OMIM 248360.

Submission:

Victorian Clinical Genetics Services, Murdoch Childrens Research Institute
Classification: Pathogenic for Deficiency of malonyl-CoA decarboxylase. Last evaluated: 2023-07-17. Review status: criteria provided, single submitter. Criteria: ACMG Guidelines, 2015. Collection method: clinical testing. Allele origin: germline. Inheritance: Autosomal recessive inheritance. Affected: yes.
Comment: Based on the classification scheme VCGS_Germline_v1.3.4, this variant is classified as Pathogenic. Following criteria are met: 0102 - Loss of function is a known mechanism of disease in this gene and is associated with malonyl-CoA decarboxylase deficiency (MIM#248360). (I) 0106 - This gene is associated with autosomal recessive disease. (I) 0201 - Variant is predicted to cause nonsense-mediated decay (NMD) and loss of protein (premature termination codon is located at least 54 nucleotides upstream of the final exon-exon junction). (SP) 0251 - This variant is heterozygous. (I) 0301 - Variant is absent from gnomAD (both v2 and v3). (SP) 0701 - Other NMD-predicted variants comparable to the one identified in this case have very strong previous evidence for pathogenicity (DECIPHER). (SP) 0807 - This variant has no previous evidence of pathogenicity. (I) 0905 - No published segregation evidence has been identified for this variant. (I) 1007 - No published functional evidence has been identified for this variant. (I) 1201 - Heterozygous variant detected in trans with a second pathogenic heterozygous variant (p.(Ala159Profs*20)) in a recessive disease. (I) Legend: (SP) - Supporting pathogenic, (I) - Information, (SB) - Supporting benign